The following is an entry in ClinVar:

ClinVar aggregate classification (germline): Likely benign (1 of 4 stars; one submission).

Submission:

CeGaT Center for Human Genetics Tuebingen
Classification: Likely benign. Last evaluated: 2022-10-01. Review status: criteria provided, single submitter. Criteria: CeGaT Center For Human Genetics Tuebingen Variant Classification Criteria Version 2. Collection method: clinical testing. Allele origin: germline. Affected: yes. Observed: 1 variant allele.
Comment: ZNF358: PM2:Supporting, BP4, BP7

NM_018083.5(ZNF358):c.345C>T (p.Pro115=)

Gene: ZNF358 (zinc finger protein 358; plus strand). Cytogenetic location: 19p13.2.
Variant type: single nucleotide variant.
Coding change: c.345C>T on transcript NM_018083.5 (MANE Select); coding-DNA position 345, C replaced by T.
Protein change: p.Pro115=; no amino-acid change (proline 115 retained).
Molecular consequence: synonymous variant.
Genome position (GRCh38, 1-based): chr19:7,519,587, C>T. VCF-style: chr19-7519587-C-T. GRCh37 (hg19) VCF-style: chr19-7584473-C-T.
Identifiers: ClinVar variation 2649160 (VCV002649160.24), dbSNP rs758341197, ClinGen allele CA505402866.